The following is an entry in ClinVar:

NM_000080.4(CHRNE):c.751T>A (p.Cys251Ser)

Genes: C17orf107 (chromosome 17 open reading frame 107; plus strand), CHRNE (cholinergic receptor nicotinic epsilon subunit; minus strand). Cytogenetic location: 17p13.2.
Variant type: single nucleotide variant.
Coding change: c.751T>A on transcript NM_000080.4 (MANE Select); coding-DNA position 751, T replaced by A.
Protein change: p.Cys251Ser; replaces cysteine 251 with serine.
Molecular consequence: missense variant. On other transcripts: 3 prime UTR variant (1).
Genome position (GRCh38, 1-based): chr17:4,901,041, A>T on the plus strand (T>A on the coding strand, the complement: CHRNE is on the minus strand). VCF-style: chr17-4901041-A-T. GRCh37 (hg19) VCF-style: chr17-4804336-A-T.
Other names: c.*508A>T (NM_001145536.2); short protein forms C251S.
Identifiers: ClinVar variation 1057868 (VCV001057868.9), dbSNP rs867237170, ClinGen allele CA397304868.
Genomic context (GRCh38, chr17:4,901,041, plus strand): 5'-ACTGCTTACCCTGCGCCGGCAGGAAGTAGGCGAGCAGCACCAGGCCCGAGATGAGCACAC[A>T]GGGCACGATGATGTTAATGACGTAGAAGAGCGGCTTCCGGCGGATGATGAGCGAGTAGAT-3'
Protein context (NP_000071.1, residues 241-261): LFYVINIIVP[Cys251Ser]VLISGLVLLA

ClinVar aggregate classification (germline): Uncertain significance (1 of 4 stars; one submission).

Conditions:
Congenital myasthenic syndrome 4A. Also called: MYASTHENIC SYNDROME, CONGENITAL, 4A, SLOW-CHANNEL, AUTOSOMAL RECESSIVE; Myasthenic syndrome, congenital, 4a, slow-channel; CONGENITAL MYASTHENIC SYNDROME TYPE Ia1. Identifiers: Orphanet 590, MedGen C4225413, MONDO:0011600, OMIM 605809.

Submission:

Labcorp Genetics (formerly Invitae), Labcorp
Classification: Uncertain significance for Congenital myasthenic syndrome 4A. Last evaluated: 2020-11-03. Review status: criteria provided, single submitter. Criteria: Invitae Variant Classification Sherloc (09022015). Collection method: clinical testing. Allele origin: germline.
Comment: This variant is not present in population databases (ExAC no frequency). This sequence change replaces cysteine with serine at codon 251 of the CHRNE protein (p.Cys251Ser). The cysteine residue is highly conserved and there is a moderate physicochemical difference between cysteine and serine. In summary, the available evidence is currently insufficient to determine the role of this variant in disease. Therefore, it has been classified as a Variant of Uncertain Significance. Algorithms developed to predict the effect of sequence changes on RNA splicing suggest that this variant may create or strengthen a splice site, but this prediction has not been confirmed by published transcriptional studies. Algorithms developed to predict the effect of missense changes on protein structure and function (SIFT, PolyPhen-2, Align-GVGD) all suggest that this variant is likely to be disruptive, but these predictions have not been confirmed by published functional studies and their clinical significance is uncertain. This variant has not been reported in the literature in individuals with CHRNE-related conditions.